The following is an entry in ClinVar:

ClinVar aggregate classification (germline): Likely benign. Review status: criteria provided, multiple submitters, no conflicts (2 of 4 stars). 8 submissions from 8 submitters: Likely benign (7). 1 of the submissions does not count toward it. Last evaluated 2026-09-21.

Conditions:
EFEMP2-related disorder. Also called: EFEMP2-related condition.
Cardiovascular phenotype. Identifiers: MedGen CN230736.
Cutis laxa, autosomal recessive, type 1B (ARCL1B). Also called: EFEMP2-Related Cutis Laxa; CUTIS LAXA, AUTOSOMAL RECESSIVE, TYPE IB. Identifiers: Orphanet 90349, MedGen C3280798, MONDO:0013754, OMIM 614437. Disease mechanism: loss of function.

Allele frequency attached by ClinVar (database versions not stated): ESP Exome Variant Server 0.00008; gnomAD exomes 0.00011 and 0.00017; ExAC 0.00014; gnomAD 0.00014 and 0.00015; TOPMed 0.00015.
gnomAD v4.1: 260 of 1,613,964 alleles (0.016%); highest among the groups gnomAD compares: Non-Finnish European, 0.021%; 1 homozygote.

Submissions (8):

Molecular Diagnostic Laboratory for Inherited Cardiovascular Disease, Montreal Heart Institute
Classification: Likely benign. Last evaluated: 2026-09-21. Review status: criteria provided, single submitter. Criteria: ACMG Guidelines, 2015. Collection method: clinical testing. Allele origin: germline. Affected: no.
Comment: BS1;BP7

Labcorp Genetics (formerly Invitae), Labcorp
Classification: Likely benign for Cutis laxa, autosomal recessive, type 1B. Last evaluated: 2026-01-30. Review status: criteria provided, single submitter. Criteria: Invitae Variant Classification Sherloc (09022015). Collection method: clinical testing. Allele origin: germline.

CeGaT Center for Human Genetics Tuebingen
Classification: Likely benign. Last evaluated: 2026-01-01. Review status: criteria provided, single submitter. Criteria: CeGaT Center For Human Genetics Tuebingen Variant Classification Criteria Version 2. Collection method: clinical testing. Allele origin: germline. Affected: yes. Observed: 2 variant alleles.
Comment: EFEMP2: BP4, BP7

ARUP Laboratories, Molecular Genetics and Genomics, ARUP Laboratories
Classification: Likely benign for Cutis laxa, autosomal recessive, type 1B. Last evaluated: 2025-06-02. Review status: criteria provided, single submitter. Criteria: ARUP Molecular Germline Variant Investigation Process 2024. Collection method: clinical testing. Allele origin: germline.

Women's Health and Genetics/Laboratory Corporation of America, LabCorp
Classification: Likely benign. Last evaluated: 2023-10-19. Review status: criteria provided, single submitter. Criteria: LabCorp Variant Classification Summary - May 2015. Collection method: clinical testing. Allele origin: germline.

GeneDx
Classification: Likely benign. Last evaluated: 2021-01-11. Review status: criteria provided, single submitter. Criteria: GeneDx Variant Classification Process June 2021. Collection method: clinical testing. Allele origin: germline. Affected: yes.

Ambry Genetics
Classification: Likely benign for Cardiovascular phenotype. Last evaluated: 2020-05-14. Review status: criteria provided, single submitter. Criteria: Ambry Variant Classification Scheme 2023. Collection method: clinical testing. Allele origin: germline.

PreventionGenetics, part of Exact Sciences
Classification: Likely benign for EFEMP2-related condition. Last evaluated: 2019-04-11. Review status: no assertion criteria provided. Collection method: clinical testing. Allele origin: germline. Not counted in ClinVar's aggregate classification.
Comment: This variant is classified as likely benign based on ACMG/AMP sequence variant interpretation guidelines (Richards et al. 2015 PMID: 25741868, with internal and published modifications).

NM_016938.5(EFEMP2):c.1095G>A (p.Ala365=)

Gene: EFEMP2 (EGF-like fibulin extracellular matrix protein 2; minus strand). Cytogenetic location: 11q13.1.
Variant type: single nucleotide variant.
Coding change: c.1095G>A on transcript NM_016938.5 (MANE Select); coding-DNA position 1095, G replaced by A.
Protein change: p.Ala365=; no amino-acid change (alanine 365 retained).
Molecular consequence: synonymous variant. On other transcripts: non-coding transcript variant (1).
Genome position (GRCh38, 1-based): chr11:65,867,936, C>T on the plus strand (G>A on the coding strand, the complement: EFEMP2 is on the minus strand). VCF-style: chr11-65867936-C-T. GRCh37 (hg19) VCF-style: chr11-65635407-C-T.
Identifiers: ClinVar variation 472808 (VCV000472808.32), dbSNP rs369627072, ClinGen allele CA6110413.
Genomic context (GRCh38, chr11:65,867,936, plus strand): 5'-CCCCTGCGAGTTTCCAGCACGGATCTGAAAGGCATTGTAGGCACCGGGGTAGACGGAGGT[C>T]GCCTGGATCTGGAACACGTCAGCGGGCACGCTCCGCTCCGAGGTGATGGTCATGTAGCGG-3'
Protein context (NP_058634.4, residues 355-375): SVPADVFQIQ[Ala365=]TSVYPGAYNA